The following is an entry in ClinVar:

ClinVar aggregate classification (germline): Uncertain significance. Review status: criteria provided, multiple submitters, no conflicts (2 of 4 stars). 3 submissions from 3 submitters: Uncertain significance (3). Last evaluated 2026-01-25.

Conditions:
Inborn genetic diseases. Identifiers: MedGen C0950123, MeSH D030342.

Allele frequency attached by ClinVar (database versions not stated): ExAC 0.00004; gnomAD 0.00011; TOPMed 0.00014; 1000 Genomes Project 0.00040; 1000 Genomes Project 30x 0.00047.
gnomAD v4.1: 55 of 1,613,898 alleles (0.0034%); highest among the groups gnomAD compares: African/African-American, 0.047%; no homozygotes.

Submissions (3):

Labcorp Genetics (formerly Invitae), Labcorp
Classification: Uncertain significance. Last evaluated: 2026-01-25. Review status: criteria provided, single submitter. Criteria: Invitae Variant Classification Sherloc (09022015). Collection method: clinical testing. Allele origin: germline.
Comment: This sequence change replaces valine, which is neutral and non-polar, with methionine, which is neutral and non-polar, at codon 1359 of the LAMB1 protein (p.Val1359Met). This variant is present in population databases (rs200248912, gnomAD 0.04%). This variant has not been reported in the literature in individuals affected with LAMB1-related conditions. ClinVar contains an entry for this variant (Variation ID: 426383). An algorithm developed to predict the effect of missense changes on protein structure and function (PolyPhen-2) suggests that this variant is likely to be tolerated. In summary, the available evidence is currently insufficient to determine the role of this variant in disease. Therefore, it has been classified as a Variant of Uncertain Significance.

Ambry Genetics
Classification: Uncertain significance for Inborn genetic diseases. Last evaluated: 2024-10-07. Review status: criteria provided, single submitter. Criteria: Ambry Variant Classification Scheme 2023. Collection method: clinical testing. Allele origin: germline.

GeneDx
Classification: Uncertain significance. Last evaluated: 2022-07-05. Review status: criteria provided, single submitter. Criteria: GeneDx Variant Classification Process June 2021. Collection method: clinical testing. Allele origin: germline. Affected: yes.
Comment: In silico analysis supports that this missense variant does not alter protein structure/function; Has not been previously published as pathogenic or benign to our knowledge

NM_002291.3(LAMB1):c.4075G>A (p.Val1359Met)

Gene: LAMB1 (laminin subunit beta 1; minus strand). Cytogenetic location: 7q31.1.
Variant type: single nucleotide variant.
Coding change: c.4075G>A on transcript NM_002291.3 (MANE Select); coding-DNA position 4075, G replaced by A.
Protein change: p.Val1359Met; replaces valine 1359 with methionine.
Molecular consequence: missense variant.
Genome position (GRCh38, 1-based): chr7:107,935,528, C>T on the plus strand (G>A on the coding strand, the complement: LAMB1 is on the minus strand). VCF-style: chr7-107935528-C-T. GRCh37 (hg19) VCF-style: chr7-107575973-C-T.
Other names: short protein forms V1359M.
Identifiers: ClinVar variation 426383 (VCV000426383.9), dbSNP rs200248912, ClinGen allele CA4435157.